The following is an entry in ClinVar:

NM_006421.5(ARFGEF1):c.2439A>G (p.Gln813=)

Gene: ARFGEF1 (ARF guanine nucleotide exchange factor 1; minus strand). Cytogenetic location: 8q13.2.
Variant type: single nucleotide variant.
Coding change: c.2439A>G on transcript NM_006421.5 (MANE Select); coding-DNA position 2439, A replaced by G.
Protein change: p.Gln813=; no amino-acid change (glutamine 813 retained).
Molecular consequence: synonymous variant. On other transcripts: non-coding transcript variant (1).
Genome position (GRCh38, 1-based): chr8:67,258,087, T>C on the plus strand (A>G on the coding strand, the complement: ARFGEF1 is on the minus strand). VCF-style: chr8-67258087-T-C. GRCh37 (hg19) VCF-style: chr8-68170322-T-C.
Other names: p.Gln813=; c.1839A>G, p.Gln613= (NM_001413197.1, NM_001413188.1, NM_001413193.1); c.2439A>G, p.Gln813= (NM_001413184.1, NM_001413185.1, NM_001413186.1 and 7 more transcripts); c.1014A>G, p.Gln338= (NM_001413196.1).
Identifiers: ClinVar variation 4819305 (VCV004819305.1).

ClinVar aggregate classification (germline): Uncertain significance (1 of 4 stars; one submission).

Conditions:
Developmental delay, impaired speech, and behavioral abnormalities, with or without seizures (DEDISB). Identifiers: MedGen C5575272, MONDO:0859263, OMIM 619964.

gnomAD v4.1: 1 of 1,610,552 alleles (0.000062%); highest among the groups gnomAD compares: Non-Finnish European, 0.000085%; no homozygotes.

Submission:

Department of Molecular Genetics, Istishari Arab Hospital
Classification: Uncertain significance for Developmental delay, impaired speech, and behavioral abnormalities, with or without seizures. Last evaluated: 2026-03-30. Review status: criteria provided, single submitter. Criteria: ACMG Guidelines, 2015. Collection method: clinical testing. Allele origin: germline. Inheritance: Autosomal dominant inheritance. Affected: yes.
Comment: The ARFGEF1 variant c.2439A>G, p.Gln813= is a synonymous change that lies near the exon-intron junction of exon 16 (out of 39 exons) and is predicted to disrupt the conserved splice site and thus affects normal protein function [SpliceAI: Splice-Altering / moderate (0.22)]. This variant is observed at a very low frequency in the gnomAD v4.1.0 dataset (<0.001) and has not been previously described in the literature. It is classified as a variant of uncertain significance according to the recommendations of ACMG/AMP/ClinGen SVI guidelines.